The following is an entry in ClinVar:

NM_005862.3(STAG1):c.223C>G (p.His75Asp)

Gene: STAG1 (STAG1 cohesin complex component; minus strand). Cytogenetic location: 3q22.3.
Variant type: single nucleotide variant.
Coding change: c.223C>G on transcript NM_005862.3 (MANE Select); coding-DNA position 223, C replaced by G.
Protein change: p.His75Asp; replaces histidine 75 with aspartic acid.
Molecular consequence: missense variant.
Genome position (GRCh38, 1-based): chr3:136,604,383, G>C on the plus strand (C>G on the coding strand, the complement: STAG1 is on the minus strand). VCF-style: chr3-136604383-G-C. GRCh37 (hg19) VCF-style: chr3-136323225-G-C.
Other names: c.223C>G (NM_005862.2); short protein forms H75D.
Identifiers: ClinVar variation 2899544 (VCV002899544.4), dbSNP rs141401654, ClinGen allele CA2633262.

ClinVar aggregate classification (germline): Uncertain significance. Review status: criteria provided, multiple submitters, no conflicts (2 of 4 stars). 2 submissions from 2 submitters: Uncertain significance (2). Last evaluated 2024-08-05.

Conditions:
Inborn genetic diseases. Identifiers: MedGen C0950123, MeSH D030342.

Allele frequency attached by ClinVar (database versions not stated): gnomAD exomes below 0.00001; ExAC 0.00001; TOPMed 0.00005; ESP Exome Variant Server 0.00008.
gnomAD v4.1: 2 of 1,613,680 alleles (0.00012%); highest among the groups gnomAD compares: Admixed American, 0.0033%; no homozygotes.

Submissions (2):

Labcorp Genetics (formerly Invitae), Labcorp
Classification: Uncertain significance. Last evaluated: 2024-08-05. Review status: criteria provided, single submitter. Criteria: Invitae Variant Classification Sherloc (09022015). Collection method: clinical testing. Allele origin: germline.
Comment: This sequence change replaces histidine, which is basic and polar, with aspartic acid, which is acidic and polar, at codon 75 of the STAG1 protein (p.His75Asp). This variant is present in population databases (rs141401654, gnomAD 0.007%). This variant has not been reported in the literature in individuals affected with STAG1-related conditions. Advanced modeling of protein sequence and biophysical properties (such as structural, functional, and spatial information, amino acid conservation, physicochemical variation, residue mobility, and thermodynamic stability) performed at Invitae indicates that this missense variant is not expected to disrupt STAG1 protein function with a negative predictive value of 80%. In summary, the available evidence is currently insufficient to determine the role of this variant in disease. Therefore, it has been classified as a Variant of Uncertain Significance.

Ambry Genetics
Classification: Uncertain significance for Inborn genetic diseases. Last evaluated: 2023-11-15. Review status: criteria provided, single submitter. Criteria: Ambry Variant Classification Scheme 2023. Collection method: clinical testing. Allele origin: germline.